The following is an entry in ClinVar:

NM_018136.5(ASPM):c.4123A>G (p.Ile1375Val)

Gene: ASPM (assembly factor for spindle microtubules; minus strand). Cytogenetic location: 1q31.3.
Variant type: single nucleotide variant.
Coding change: c.4123A>G on transcript NM_018136.5 (MANE Select); coding-DNA position 4123, A replaced by G.
Protein change: p.Ile1375Val; replaces isoleucine 1375 with valine.
Molecular consequence: missense variant. On other transcripts: intron variant (1).
Genome position (GRCh38, 1-based): chr1:197,105,128, T>C on the plus strand (A>G on the coding strand, the complement: ASPM is on the minus strand). VCF-style: chr1-197105128-T-C. GRCh37 (hg19) VCF-style: chr1-197074258-T-C.
Other names: c.4066-8964A>G (NM_001206846.2); short protein forms I1375V.
Identifiers: ClinVar variation 2231517 (VCV002231517.6), dbSNP rs531131529, ClinGen allele CA1309980.
Genomic context (GRCh38, chr1:197,105,128, plus strand): 5'-AAAGATATCGTTTATAAGATGTAACAGCAATTATCATTCTTATCCTAGATTGCAGGATGA[T>C]TGAATAATATTTCAATTTCAGAAATCTTTGTCTAGTGGAATATCTTCTCCAATATCCCTG-3'
Protein context (NP_060606.3, residues 1365-1385): QRFLKLKYYS[Ile1375Val]ILQSRIRMII

ClinVar aggregate classification (germline): Conflicting classifications of pathogenicity. Review status: criteria provided, conflicting classifications (1 of 4 stars). 3 submissions from 3 submitters: Uncertain significance (2); Likely benign (1). Last evaluated 2024-10-28.

Conditions:
Microcephaly 5, primary, autosomal recessive (MCPH5). Also called: ASPM Primary Microcephaly. Identifiers: Orphanet 2512, MedGen C1837501, MONDO:0012106, OMIM 608716.
Inborn genetic diseases. Identifiers: MedGen C0950123, MeSH D030342.

Allele frequency attached by ClinVar (database versions not stated): gnomAD exomes 0.00002; ExAC 0.00003; TOPMed 0.00008; gnomAD 0.00009; 1000 Genomes Project 30x 0.00016; 1000 Genomes Project 0.00020.
gnomAD v4.1: 47 of 1,608,828 alleles (0.0029%); highest among the groups gnomAD compares: East Asian, 0.013%; no homozygotes.

Submissions (3):

Women's Health and Genetics/Laboratory Corporation of America, LabCorp
Classification: Uncertain significance. Last evaluated: 2024-10-28. Review status: criteria provided, single submitter. Criteria: LabCorp Variant Classification Summary - May 2015. Collection method: clinical testing. Allele origin: germline.
Comment: Variant summary: ASPM c.4123A>G (p.Ile1375Val) results in a conservative amino acid change in the encoded protein sequence. Five of five in-silico tools predict a benign effect of the variant on protein function. The variant allele was found at a frequency of 3.6e-05 in 248032 control chromosomes. The available data on variant occurrences in the general population are insufficient to allow any conclusion about variant significance. To our knowledge, no occurrence of c.4123A>G in individuals affected with Primary microcephaly and no experimental evidence demonstrating its impact on protein function have been reported. ClinVar contains an entry for this variant (Variation ID: 2231517). Based on the evidence outlined above, the variant was classified as uncertain significance.

Ambry Genetics
Classification: Likely benign for Inborn genetic diseases. Last evaluated: 2021-07-02. Review status: criteria provided, single submitter. Criteria: Ambry Variant Classification Scheme 2023. Collection method: clinical testing. Allele origin: germline.

Revvity Omics, Revvity
Classification: Uncertain significance for Microcephaly 5, primary, autosomal recessive. Last evaluated: 2020-01-23. Review status: criteria provided, single submitter. Criteria: ACMG Guidelines, 2015. Collection method: clinical testing. Allele origin: germline.